The following is an entry in ClinVar:

ClinVar aggregate classification (germline): Uncertain significance (1 of 4 stars; one submission).

Conditions:
Hereditary cancer-predisposing syndrome. Also called: Neoplastic Syndromes, Hereditary; Tumor predisposition; Hereditary Cancer Syndrome; Hereditary neoplastic syndrome. Identifiers: Orphanet 140162, MedGen C0027672, MeSH D009386, MONDO:0015356.

Submission:

Ambry Genetics
Classification: Uncertain significance for Hereditary cancer-predisposing syndrome. Last evaluated: 2025-09-10. Review status: criteria provided, single submitter. Criteria: Ambry Variant Classification Scheme 2023. Collection method: clinical testing. Allele origin: germline.
Comment: The p.P2Q variant (also known as c.5C>A), located in coding exon 1 of the BARD1 gene, results from a C to A substitution at nucleotide position 5. The proline at codon 2 is replaced by glutamine, an amino acid with similar properties. This amino acid position is conserved. In addition, the in silico prediction for this alteration is inconclusive. Based on the available evidence, the clinical significance of this variant remains unclear.

NM_000465.4(BARD1):c.5C>A (p.Pro2Gln)

Gene: BARD1 (BRCA1 associated RING domain 1; minus strand). Cytogenetic location: 2q35.
Variant type: single nucleotide variant.
Coding change: c.5C>A on transcript NM_000465.4 (MANE Select); coding-DNA position 5, C replaced by A.
Protein change: p.Pro2Gln; replaces proline 2 with glutamine.
Molecular consequence: missense variant. On other transcripts: non-coding transcript variant (3).
Genome position (GRCh38, 1-based): chr2:214,809,565, G>T on the plus strand (C>A on the coding strand, the complement: BARD1 is on the minus strand). VCF-style: chr2-214809565-G-T. GRCh37 (hg19) VCF-style: chr2-215674289-G-T.
Other names: c.5C>A, p.Pro2Gln (NM_001282543.2, NM_001282545.2, NM_001282548.2 and 1 more transcripts); short protein forms P2Q.
Identifiers: ClinVar variation 4196401 (VCV004196401.1).